The following is an entry in ClinVar:

ClinVar aggregate classification (germline): not provided (0 of 4 stars; one submission).

Conditions:
Gestational diabetes mellitus uncontrolled. Identifiers: MedGen C3532257.

Submission:

Institute of Molecular and Cell Biology, University of Tartu
No classification provided. Condition: Gestational diabetes mellitus uncontrolled. Review status: no classification provided. Collection method: case-control. Allele origin: unknown. Affected: yes. Study: Kasak2014.
Comment: The study aimed to determine the contribution of copy number variants in the genetic etiology of normal and complicated pregnancies. The samples represented (i) maternal blood DNA drawn from healthy pregnant women during 1st or 2nd trimester and (ii) maternal and paternal blood DNA drawn at term pregnancy cases representing normal and complicated gestations (severe preeclampsia, PE; gestational diabetes, GD; small-for-gestational age newborn, SGA; large-for-gestational age newborn, LGA). We performed CNV calling based on genome-wide genotyping dataset (Illumina HumanOmniExpress-24-v1 BeadChip) by applying three algorithms, QuantiSNP, GADA (Genome Alteration Detection Algorithm) and CNstream in parallel. The acquired CNV calls were merged with HD-CNV (Hotspot Detector for Copy Number Variants) program and only the CNVs predicted by at least two programs, were considered in subsequent analysis.

Literature cited by the submitters: PubMed 25666259.

Single allele

Variant type: Deletion.
Identifiers: ClinVar variation 157169 (VCV000157169.2).